The following is an entry in ClinVar:

NM_000032.5(ALAS2):c.*124C>T

Genes: ALAS2 (5'-aminolevulinate synthase 2; minus strand), APEX2 (apurinic/apyrimidinic endodeoxyribonuclease 2; plus strand). Cytogenetic location: Xp11.21.
Variant type: single nucleotide variant.
Coding change: c.*124C>T on transcript NM_000032.5 (MANE Select); 124 bases downstream of the stop codon, C replaced by T.
Molecular consequence: 3 prime UTR variant.
Genome position (GRCh38, 1-based): chrX:55,009,056, G>A on the plus strand (C>T on the coding strand, the complement: ALAS2 is on the minus strand). VCF-style: chrX-55009056-G-A. GRCh37 (hg19) VCF-style: chrX-55035489-G-A.
Other names: c.*124C>T (NM_001037967.4, NM_001037968.4); c.*1621G>A (NM_001271748.2, NM_014481.4).
Identifiers: ClinVar variation 913522 (VCV000913522.7), dbSNP rs145843014, ClinGen allele CA328967699.

ClinVar aggregate classification (germline): Benign/Likely benign. Review status: criteria provided, multiple submitters, no conflicts (2 of 4 stars). 2 submissions from 2 submitters: Benign (1); Likely benign (1). Last evaluated 2018-07-31.

Conditions:
X-linked sideroblastic anemia 1. Also called: ANEMIA, SIDEROBLASTIC, 1, PYRIDOXINE REFRACTORY; Erythroid 5-aminolevulinate synthase deficiency; X chromosome-linked sideroblastic anemia; X-linked pyridoxine-refractory sideroblastic anemia; Anemia, hereditary sideroblastic 1, pyridoxine refractory; Anemia, sideroblastic, 1. Identifiers: Orphanet 75563, MedGen C4551511, MONDO:0020721, OMIM 300751. Disease mechanism: loss of function.

Allele frequency attached by ClinVar (database versions not stated): TOPMed 0.00150; 1000 Genomes Project 30x 0.00187; 1000 Genomes Project 0.00212; gnomAD 0.00372 and 0.00387; gnomAD exomes 0.00400.
gnomAD v4.1: 3,574 of 905,640 alleles (0.39%); highest among the groups gnomAD compares: Non-Finnish European, 0.25%; 34 homozygotes.

Submissions (2):

GeneDx
Classification: Likely benign. Last evaluated: 2018-07-31. Review status: criteria provided, single submitter. Criteria: GeneDx Variant Classification Process June 2021. Collection method: clinical testing. Allele origin: germline. Affected: yes.

Illumina Laboratory Services, Illumina
Classification: Benign for X-linked sideroblastic anemia 1. Last evaluated: 2018-01-13. Review status: criteria provided, single submitter. Criteria: ICSL Variant Classification Criteria 13 December 2019. Collection method: clinical testing. Allele origin: germline.
Comment: This variant was observed in the ICSL laboratory as part of a predisposition screen in an ostensibly healthy population. It had not been previously curated by ICSL or reported in the Human Gene Mutation Database (HGMD: prior to June 1st, 2018), and was therefore a candidate for classification through an automated scoring system. Utilizing variant allele frequency, disease prevalence and penetrance estimates, and inheritance mode, an automated score was calculated to assess if this variant is too frequent to cause the disease. Based on the score and internal cut-off values, a variant classified as benign is not then subjected to further curation. The score for this variant resulted in a classification of benign for this disease.